The following is an entry in ClinVar:

ClinVar aggregate classification (germline): Benign. Review status: criteria provided, multiple submitters, no conflicts (2 of 4 stars). 3 submissions from 3 submitters: Benign (3). Last evaluated 2026-04-30.

Conditions:
DRP2-related disorder. Also called: DRP2-related condition.

Allele frequency attached by ClinVar (database versions not stated): gnomAD exomes 0.00916 and 0.01036; ExAC 0.00981; 1000 Genomes Project 0.01166; 1000 Genomes Project 30x 0.01249; gnomAD 0.01309; TOPMed 0.01387; ESP Exome Variant Server 0.01515.
gnomAD v4.1: 13,056 of 1,210,200 alleles (1.1%); highest among the groups gnomAD compares: Middle Eastern, 5.8%; 62 homozygotes.

Submissions (3):

PreventionGenetics, part of Exact Sciences
Classification: Benign for DRP2-related condition. Last evaluated: 2026-04-30. Review status: criteria provided, single submitter. Criteria: ACMG Guidelines, 2015. Collection method: clinical testing. Allele origin: germline.
Comment: This variant is classified as benign based on ACMG/AMP sequence variant interpretation guidelines (Richards et al. 2015 PMID: 25741868, with internal and published modifications).

Labcorp Genetics (formerly Invitae), Labcorp
Classification: Benign. Last evaluated: 2026-02-03. Review status: criteria provided, single submitter. Criteria: Invitae Variant Classification Sherloc (09022015). Collection method: clinical testing. Allele origin: germline.

Breakthrough Genomics
Classification: Benign. Review status: criteria provided, single submitter. Criteria: ACMG Guidelines, 2015. Collection method: not provided. Allele origin: germline. Inheritance: Unknown mechanism. Affected: yes.

NM_001939.3(DRP2):c.1947G>T (p.Leu649=)

Gene: DRP2 (dystrophin related protein 2; plus strand). Cytogenetic location: Xq22.1.
Variant type: single nucleotide variant.
Coding change: c.1947G>T on transcript NM_001939.3 (MANE Select); coding-DNA position 1947, G replaced by T.
Protein change: p.Leu649=; no amino-acid change (leucine 649 retained).
Molecular consequence: synonymous variant.
Genome position (GRCh38, 1-based): chrX:101,252,686, G>T. VCF-style: chrX-101252686-G-T. GRCh37 (hg19) VCF-style: chrX-100507675-G-T.
Other names: c.1713G>T, p.Leu571= (NM_001171184.2).
Identifiers: ClinVar variation 780713 (VCV000780713.12), dbSNP rs41304462, ClinGen allele CA10472369.
Genomic context (GRCh38, chrX:101,252,686, plus strand): 5'-CAACGTTGACATCTGCCAGACCTGCTTCTTGACAGGCAGGGCCAGCAAAGGCAATAAGCT[G>T]CACTACCCCATCATGGAGTATTACACACCGGTATGAAGCCTCCAGGCTGGGTGGGAGGGT-3'
Protein context (NP_001930.2, residues 639-659): LTGRASKGNK[Leu649=]HYPIMEYYTP